The following is an entry in ClinVar:

NM_031407.7(HUWE1):c.3271A>C (p.Thr1091Pro)

Gene: HUWE1 (HECT, UBA and WWE domain containing E3 ubiquitin protein ligase 1; minus strand). Cytogenetic location: Xp11.22.
Variant type: single nucleotide variant.
Coding change: c.3271A>C on transcript NM_031407.7 (MANE Select); coding-DNA position 3271, A replaced by C.
Protein change: p.Thr1091Pro; replaces threonine 1091 with proline.
Molecular consequence: missense variant.
Genome position (GRCh38, 1-based): chrX:53,595,296, T>G on the plus strand (A>C on the coding strand, the complement: HUWE1 is on the minus strand). VCF-style: chrX-53595296-T-G. GRCh37 (hg19) VCF-style: chrX-53622256-T-G.
Other names: short protein forms T1091P.
Identifiers: ClinVar variation 2881104 (VCV002881104.3), dbSNP rs2148504032, ClinGen allele CA413179180.

ClinVar aggregate classification (germline): Uncertain significance (1 of 4 stars; one submission).

Allele frequency attached by ClinVar (database versions not stated): gnomAD exomes below 0.00001.
gnomAD v4.1: 2 of 1,210,526 alleles (0.00017%); highest among the groups gnomAD compares: Non-Finnish European, 0.00022%; no homozygotes.

Submission:

Labcorp Genetics (formerly Invitae), Labcorp
Classification: Uncertain significance. Last evaluated: 2022-11-15. Review status: criteria provided, single submitter. Criteria: Invitae Variant Classification Sherloc (09022015). Collection method: clinical testing. Allele origin: germline.
Comment: This variant is not present in population databases (gnomAD no frequency). In summary, the available evidence is currently insufficient to determine the role of this variant in disease. Therefore, it has been classified as a Variant of Uncertain Significance. Advanced modeling of protein sequence and biophysical properties (such as structural, functional, and spatial information, amino acid conservation, physicochemical variation, residue mobility, and thermodynamic stability) performed at Invitae indicates that this missense variant is not expected to disrupt HUWE1 protein function. This variant has not been reported in the literature in individuals affected with HUWE1-related conditions. This sequence change replaces threonine, which is neutral and polar, with proline, which is neutral and non-polar, at codon 1091 of the HUWE1 protein (p.Thr1091Pro).